The following is an entry in ClinVar:

ClinVar aggregate classification (germline): Uncertain significance (1 of 4 stars; one submission).

Conditions:
Hereditary spastic paraplegia 7 (SPG7). Also called: SPG7-related neurologic disorder; Spastic paraplegia 7; Hereditary spastic paraplegia Paraplegin type; Autosomal recessive spastic paraplegia type 7; SPASTIC PARAPLEGIA 7, AUTOSOMAL RECESSIVE, WITH OR WITHOUT CEREBELLAR ATAXIA. Identifiers: Orphanet 99013, MedGen C1846564, MONDO:0011803, OMIM 607259.

Submission:

Labcorp Genetics (formerly Invitae), Labcorp
Classification: Uncertain significance for Hereditary spastic paraplegia 7. Last evaluated: 2023-03-02. Review status: criteria provided, single submitter. Criteria: Invitae Variant Classification Sherloc (09022015). Collection method: clinical testing. Allele origin: germline.
Comment: This variant is not present in population databases (gnomAD no frequency). This sequence change falls in intron 5 of the SPG7 gene. It does not directly change the encoded amino acid sequence of the SPG7 protein. In summary, the available evidence is currently insufficient to determine the role of this variant in disease. Therefore, it has been classified as a Variant of Uncertain Significance. Algorithms developed to predict the effect of sequence changes on RNA splicing suggest that this variant may disrupt the consensus splice site. This variant has not been reported in the literature in individuals affected with SPG7-related conditions.

NM_003119.4(SPG7):c.759-15T>G

Gene: SPG7 (SPG7 matrix AAA peptidase subunit, paraplegin; plus strand). Cytogenetic location: 16q24.3.
Variant type: single nucleotide variant.
Coding change: c.759-15T>G on transcript NM_003119.4 (MANE Select); 15 bases into the intron before coding-DNA position 759, T replaced by G.
Molecular consequence: intron variant.
Genome position (GRCh38, 1-based): chr16:89,529,462, T>G. VCF-style: chr16-89529462-T-G. GRCh37 (hg19) VCF-style: chr16-89595870-T-G.
Other names: c.759-15T>G (NM_001363850.1, NM_199367.3).
Identifiers: ClinVar variation 2842350 (VCV002842350.3), dbSNP rs2543746746, ClinGen allele CA2739266953.